The following is an entry in ClinVar:

NM_004168.4(SDHA):c.1045_1046del (p.Leu349fs)

Gene: SDHA (succinate dehydrogenase complex flavoprotein subunit A; plus strand). Cytogenetic location: 5p15.33.
Variant type: Microsatellite.
Coding change: c.1045_1046del on transcript NM_004168.4 (MANE Select); coding-DNA positions 1045 to 1046, 2 bases deleted (CT; older notation c.1045_1046delCT).
Protein change: p.Leu349fs; shifts the reading frame from leucine 349.
Molecular consequence: frameshift variant.
Genome position (GRCh38, 1-based): chr5:233,626-233,627, CT deleted; deleting any 2 consecutive bases within chr5:233,624-233,627 gives the same sequence; the c. name uses the placement nearest the transcript's 3' end. VCF-style (leftmost placement, unchanged base first): chr5-233623-ACT-A. GRCh37 (hg19) VCF-style: chr5-233738-ACT-A.
Other names: c.901_902del, p.Leu301fs (NM_001294332.2); c.1045_1046del, p.Leu349fs (NM_001330758.2); short protein forms L349fs, L301fs.
Identifiers: ClinVar variation 2948374 (VCV002948374.4), dbSNP rs1735565649, ClinGen allele CA1521994197.

ClinVar aggregate classification (germline): Pathogenic. Review status: criteria provided, multiple submitters, no conflicts (2 of 4 stars). 2 submissions from 2 submitters: Pathogenic (2). Last evaluated 2024-01-19.

Conditions:
Mitochondrial complex II deficiency, nuclear type 1. Also called: SUCCINATE CoQ REDUCTASE DEFICIENCY. Identifiers: Orphanet 3208, MedGen C5700310, MONDO:0100294, OMIM 252011.
Pheochromocytoma/paraganglioma syndrome 5. Also called: Paragangliomas 5; SDHA-Related Hereditary Paraganglioma-Pheochromocytoma Syndrome. Identifiers: Orphanet 29072, MedGen C3279992, MONDO:0013602, OMIM 614165.

Submissions (2):

Myriad Genetics, Inc.
Classification: Pathogenic for Pheochromocytoma/paraganglioma syndrome 5. Last evaluated: 2024-01-19. Review status: criteria provided, single submitter. Criteria: Myriad Autosomal Dominant, Autosomal Recessive and X-Linked Classification Criteria (2023). Collection method: clinical testing. Allele origin: unknown.
Comment: This variant is considered pathogenic. This variant creates a frameshift predicted to result in premature protein truncation.

Labcorp Genetics (formerly Invitae), Labcorp
Classification: Pathogenic for Pheochromocytoma/paraganglioma syndrome 5; Mitochondrial complex II deficiency, nuclear type 1. Last evaluated: 2023-05-30. Review status: criteria provided, single submitter. Criteria: Invitae Variant Classification Sherloc (09022015). Collection method: clinical testing. Allele origin: germline.
Comment: For these reasons, this variant has been classified as Pathogenic. This variant has not been reported in the literature in individuals affected with SDHA-related conditions. This variant is not present in population databases (gnomAD no frequency). This sequence change creates a premature translational stop signal (p.Leu349Glyfs*11) in the SDHA gene. It is expected to result in an absent or disrupted protein product. Loss-of-function variants in SDHA are known to be pathogenic (PMID: 22974104, 24781757).

Literature cited by the submitters: PubMed 22974104 (cited by Labcorp Genetics (formerly Invitae), Labcorp); PubMed 24781757 (cited by Labcorp Genetics (formerly Invitae), Labcorp).